The following is an entry in ClinVar:

NM_182972.3(IRF2BP2):c.613C>G (p.Leu205Val)

Genes: IRF2BP2 (interferon regulatory factor 2 binding protein 2; minus strand), LOC129932811 (ATAC-STARR-seq lymphoblastoid silent region 1976; plus strand). Cytogenetic location: 1q42.3.
Variant type: single nucleotide variant.
Coding change: c.613C>G on transcript NM_182972.3 (MANE Select); coding-DNA position 613, C replaced by G.
Protein change: p.Leu205Val; replaces leucine 205 with valine.
Molecular consequence: missense variant.
Genome position (GRCh38, 1-based): chr1:234,608,882, G>C on the plus strand (C>G on the coding strand, the complement: IRF2BP2 is on the minus strand). VCF-style: chr1-234608882-G-C. GRCh37 (hg19) VCF-style: chr1-234744628-G-C.
Other names: c.613C>G, p.Leu205Val (NM_001077397.1); short protein forms L205V.
Identifiers: ClinVar variation 4691767 (VCV004691767.1).

ClinVar aggregate classification (germline): Uncertain significance (1 of 4 stars; one submission).

Submission:

Labcorp Genetics (formerly Invitae), Labcorp
Classification: Uncertain significance. Last evaluated: 2025-05-13. Review status: criteria provided, single submitter. Criteria: Invitae Variant Classification Sherloc (09022015). Collection method: clinical testing. Allele origin: germline.
Comment: This sequence change replaces leucine, which is neutral and non-polar, with valine, which is neutral and non-polar, at codon 205 of the IRF2BP2 protein (p.Leu205Val). This variant is present in population databases (no rsID available, gnomAD 0.007%). This variant has not been reported in the literature in individuals affected with IRF2BP2-related conditions. An algorithm developed to predict the effect of missense changes on protein structure and function (PolyPhen-2) suggests that this variant is likely to be disruptive. In summary, the available evidence is currently insufficient to determine the role of this variant in disease. Therefore, it has been classified as a Variant of Uncertain Significance.